The following is an entry in ClinVar:

ClinVar aggregate classification (germline): Benign. Review status: criteria provided, multiple submitters, no conflicts (2 of 4 stars). 2 submissions from 2 submitters: Benign (2). Last evaluated 2018-06-14.

Allele frequency attached by ClinVar (database versions not stated): TOPMed 0.97877; gnomAD 0.98047 and 0.98162; 1000 Genomes Project 30x 0.98048; 1000 Genomes Project 0.98103.
gnomAD v4.1: 149,582 of 152,346 alleles (98%); highest among the groups gnomAD compares: Middle Eastern, 100%; 73,486 homozygotes.

Submissions (2):

GeneDx
Classification: Benign. Last evaluated: 2018-06-14. Review status: criteria provided, single submitter. Criteria: GeneDx Variant Classification (06012015). Collection method: clinical testing. Allele origin: germline. Affected: yes.
Comment: This variant is considered likely benign or benign based on one or more of the following criteria: it is a conservative change, it occurs at a poorly conserved position in the protein, it is predicted to be benign by multiple in silico algorithms, and/or has population frequency not consistent with disease.

Breakthrough Genomics
Classification: Benign. Review status: criteria provided, single submitter. Criteria: ACMG Guidelines, 2015. Collection method: not provided. Allele origin: germline. Inheritance: Autosomal recessive inheritance. Affected: yes.

NM_004092.4(ECHS1):c.287-174C>A

Gene: ECHS1 (enoyl-CoA hydratase, short chain 1; minus strand). Cytogenetic location: 10q26.3.
Variant type: single nucleotide variant.
Coding change: c.287-174C>A on transcript NM_004092.4 (MANE Select); 174 bases into the intron before coding-DNA position 287, C replaced by A.
Molecular consequence: intron variant.
Genome position (GRCh38, 1-based): chr10:133,370,205, G>T on the plus strand (C>A on the coding strand, the complement: ECHS1 is on the minus strand). VCF-style: chr10-133370205-G-T. GRCh37 (hg19) VCF-style: chr10-135183709-G-T.
Identifiers: ClinVar variation 683762 (VCV000683762.2), dbSNP rs7076036, ClinGen allele CA216818687.